The following is an entry in ClinVar:

NM_000350.3(ABCA4):c.5578C>T (p.Arg1860Trp)

Gene: ABCA4 (ATP binding cassette subfamily A member 4; minus strand). Cytogenetic location: 1p22.1.
Variant type: single nucleotide variant.
Coding change: c.5578C>T on transcript NM_000350.3 (MANE Select); coding-DNA position 5578, C replaced by T.
Protein change: p.Arg1860Trp; replaces arginine 1860 with tryptophan.
Molecular consequence: missense variant.
Genome position (GRCh38, 1-based): chr1:94,011,268, G>A on the plus strand (C>T on the coding strand, the complement: ABCA4 is on the minus strand). VCF-style: chr1-94011268-G-A. GRCh37 (hg19) VCF-style: chr1-94476824-G-A.
Other names: c.5578C>T (NM_000350.2); c.5356C>T, p.Arg1786Trp (NM_001425324.1); short protein forms R1860W, R1786W.
Identifiers: ClinVar variation 1275763 (VCV001275763.12), dbSNP rs200849015, ClinGen allele CA26838213.

ClinVar aggregate classification (germline): Pathogenic/Likely pathogenic. Review status: criteria provided, multiple submitters, no conflicts (2 of 4 stars). 7 submissions from 7 submitters: Pathogenic (3); Likely pathogenic (4). Last evaluated 2025-11-05.

Conditions:
ABCA4-related disorder. Also called: ABCA4-related condition; ABCA4-related disorders. Identifiers: MedGen CN239167.
Age related macular degeneration 2. Also called: MACULOPATHY, AGE-RELATED; MACULAR DEGENERATION, SENILE; MACULOPATHY, AGE-RELATED, 2. Identifiers: MedGen C3495438, MONDO:0007932, OMIM 153800.
Cone-rod dystrophy 3 (CORD3). Identifiers: Orphanet 1872, MedGen C1858806, MONDO:0011395, OMIM 604116.
Severe early-childhood-onset retinal dystrophy (STGD1). Also called: Stargardt macular dystrophy; Juvenile onset macular degeneration; Stargardt disease 1; MACULAR DYSTROPHY WITH FLECKS, TYPE 1; STGD. Identifiers: Orphanet 364055, Orphanet 827, MedGen C1855465, MeSH D000080362, MONDO:0009549, OMIM 248200.
Retinitis pigmentosa 19 (RP19). Also called: ABCA4-Related Retinitis Pigmentosa. Identifiers: Orphanet 791, MedGen C1866422, MONDO:0011137, OMIM 601718.
Retinal disorder. Also called: Retinopathies; Retinal Diseases; Retinopathy; Retinal disorders. Identifiers: MedGen C0035309, MONDO:0005283, HP:0000488.
Stargardt disease (FFM). Also called: Fundus flavimaculatus; Stargardt's disease. Identifiers: Orphanet 827, MedGen C0271093, MONDO:0019353.

Allele frequency attached by ClinVar (database versions not stated): gnomAD exomes 0.00001 and 0.00003; TOPMed 0.00001; gnomAD 0.00001.
gnomAD v4.1: 44 of 1,613,920 alleles (0.0027%); highest among the groups gnomAD compares: Non-Finnish European, 0.0034%; no homozygotes.

Submissions (7):

GeneDx
Classification: Likely pathogenic. Last evaluated: 2025-11-05. Review status: criteria provided, single submitter. Criteria: GeneDx Variant Classification Process June 2021. Collection method: clinical testing. Allele origin: germline.
Comment: In silico analysis supports that this missense variant has a deleterious effect on protein structure/function; This variant is associated with the following publications: (PMID: 31964843, 29925512, 32307445, 35120629, 23982839, 28559085, 37734845, 38219857)

Genetics Laboratory, Great Ormond Street Hospital NHS Foundation Trust, North Thames Genomic Laboratory Hub
Classification: Likely pathogenic for Retinal disorders. Last evaluated: 2025-09-08. Review status: criteria provided, single submitter. Criteria: ACGS Best Practice Guidelines for Variant Classification in Rare Disease 2024 v1.2. Collection method: clinical testing. Allele origin: germline. Affected: yes.
Comment: PM2_moderate, PM3_strong

Labcorp Genetics (formerly Invitae), Labcorp
Classification: Pathogenic. Last evaluated: 2025-05-02. Review status: criteria provided, single submitter. Criteria: Invitae Variant Classification Sherloc (09022015). Collection method: clinical testing. Allele origin: germline.
Comment: This sequence change replaces arginine, which is basic and polar, with tryptophan, which is neutral and slightly polar, at codon 1860 of the ABCA4 protein (p.Arg1860Trp). This variant is present in population databases (rs200849015, gnomAD 0.006%). This missense change has been observed in individual(s) with retinopathy (PMID: 23982839, 28559085; internal data). In at least one individual the data is consistent with being in trans (on the opposite chromosome) from a pathogenic variant. ClinVar contains an entry for this variant (Variation ID: 1275763). Invitae Evidence Modeling of protein sequence and biophysical properties (such as structural, functional, and spatial information, amino acid conservation, physicochemical variation, residue mobility, and thermodynamic stability) indicates that this missense variant is expected to disrupt ABCA4 protein function with a positive predictive value of 95%. For these reasons, this variant has been classified as Pathogenic.

Fulgent Genetics
Classification: Likely pathogenic for Age related macular degeneration 2; Severe early-childhood-onset retinal dystrophy; Retinitis pigmentosa 19; Cone-rod dystrophy 3. Last evaluated: 2024-04-11. Review status: criteria provided, single submitter. Criteria: ACMG Guidelines, 2015. Collection method: clinical testing. Allele origin: germline.

Women's Health and Genetics/Laboratory Corporation of America, LabCorp
Classification: Pathogenic for Stargardt disease. Last evaluated: 2024-04-05. Review status: criteria provided, single submitter. Criteria: LabCorp Variant Classification Summary - May 2015. Collection method: clinical testing. Allele origin: germline.
Comment: Variant summary: ABCA4 c.5578C>T (p.Arg1860Trp) results in a non-conservative amino acid change located in the ABC-2 type transporter, transmembrane domain (IPR013525) of the encoded protein sequence. Four of five in-silico tools predict a damaging effect of the variant on protein function. The variant allele was found at a frequency of 8e-06 in 251236 control chromosomes. c.5578C>T has been reported in the literature in multiple individuals affected with Stargardt Disease and related disorders (Fujinami_2013, Khan_2020, Weisschuh_2024, Stone_2017). These data indicate that the variant is very likely to be associated with disease. To our knowledge, no experimental evidence demonstrating an impact on protein function has been reported. The following publications have been ascertained in the context of this evaluation (PMID: 32307445, 28559085, 37734845, 23982839). ClinVar contains an entry for this variant (Variation ID: 1275763). Based on the evidence outlined above, the variant was classified as pathogenic.

Blueprint Genetics
Classification: Pathogenic for ABCA4-related disorders. Last evaluated: 2022-02-14. Review status: criteria provided, single submitter. Criteria: ACMG Guidelines, 2015. Collection method: clinical testing. Allele origin: germline. Affected: yes. Observed: 4 variant alleles.

Institute of Medical Genetics and Applied Genomics, University Hospital Tübingen
Classification: Likely pathogenic. Last evaluated: 2021-09-15. Review status: criteria provided, single submitter. Criteria: ACMG Guidelines, 2015. Collection method: clinical testing. Allele origin: germline. Inheritance: Autosomal recessive inheritance. Affected: yes.

Literature cited by the submitters: PubMed 23982839 (cited by Labcorp Genetics (formerly Invitae), Labcorp and Women's Health and Genetics/Laboratory Corporation of America, LabCorp); PubMed 28559085 (cited by Labcorp Genetics (formerly Invitae), Labcorp and Women's Health and Genetics/Laboratory Corporation of America, LabCorp); PubMed 32307445 (cited by Women's Health and Genetics/Laboratory Corporation of America, LabCorp); PubMed 37734845 (cited by Women's Health and Genetics/Laboratory Corporation of America, LabCorp).